The following is an entry in ClinVar:

NM_001378964.1(CDON):c.3349A>G (p.Asn1117Asp)

Gene: CDON (cell adhesion associated, oncogene regulated; minus strand). Cytogenetic location: 11q24.2.
Variant type: single nucleotide variant.
Coding change: c.3349A>G on transcript NM_001378964.1 (MANE Select); coding-DNA position 3349, A replaced by G.
Protein change: p.Asn1117Asp; replaces asparagine 1117 with aspartic acid.
Molecular consequence: missense variant.
Genome position (GRCh38, 1-based): chr11:125,978,311, T>C on the plus strand (A>G on the coding strand, the complement: CDON is on the minus strand). VCF-style: chr11-125978311-T-C. GRCh37 (hg19) VCF-style: chr11-125848206-T-C.
Other names: c.3349A>G, p.Asn1117Asp (NM_001243597.3, NM_016952.6); short protein forms N1117D.
Identifiers: ClinVar variation 2035139 (VCV002035139.4), dbSNP rs1485564994, ClinGen allele CA383198052.

ClinVar aggregate classification (germline): Uncertain significance (1 of 4 stars; one submission).

Conditions:
Holoprosencephaly 11 (HPE11). Identifiers: Orphanet 2162, MedGen C3280215, MONDO:0013642, OMIM 614226.

Allele frequency attached by ClinVar (database versions not stated): gnomAD exomes below 0.00001; TOPMed below 0.00001.

Submission:

Labcorp Genetics (formerly Invitae), Labcorp
Classification: Uncertain significance for Holoprosencephaly 11. Last evaluated: 2023-10-10. Review status: criteria provided, single submitter. Criteria: Invitae Variant Classification Sherloc (09022015). Collection method: clinical testing. Allele origin: germline.
Comment: This sequence change replaces asparagine, which is neutral and polar, with aspartic acid, which is acidic and polar, at codon 1117 of the CDON protein (p.Asn1117Asp). This variant is not present in population databases (gnomAD no frequency). This variant has not been reported in the literature in individuals affected with CDON-related conditions. ClinVar contains an entry for this variant (Variation ID: 2035139). Advanced modeling of protein sequence and biophysical properties (such as structural, functional, and spatial information, amino acid conservation, physicochemical variation, residue mobility, and thermodynamic stability) performed at Invitae indicates that this missense variant is not expected to disrupt CDON protein function. In summary, the available evidence is currently insufficient to determine the role of this variant in disease. Therefore, it has been classified as a Variant of Uncertain Significance.